The following is an entry in ClinVar:

NM_000188.3(HK1):c.69C>T (p.Asp23=)

Gene: HK1 (hexokinase 1; plus strand). Cytogenetic location: 10q22.1.
Variant type: single nucleotide variant.
Coding change: c.69C>T on transcript NM_000188.3 (MANE Select); coding-DNA position 69, C replaced by T.
Protein change: p.Asp23=; no amino-acid change (aspartic acid 23 retained).
Molecular consequence: synonymous variant. On other transcripts: 5 prime UTR variant (1).
Genome position (GRCh38, 1-based): chr10:69,343,832, C>T. VCF-style: chr10-69343832-C-T. GRCh37 (hg19) VCF-style: chr10-71103588-C-T.
Other names: c.81C>T, p.Asp27= (NM_001322364.2, NM_001358263.1, NM_033497.3 and 1 more transcripts); c.174C>T, p.Asp58= (NM_001322365.2); c.-16C>T (NM_001322366.1); c.69C>T, p.Asp23= (NM_001322367.1); c.66C>T, p.Asp22= (NM_033496.3); c.33C>T, p.Asp11= (NM_033500.2).
Identifiers: ClinVar variation 2640547 (VCV002640547.25), dbSNP rs1848415323, ClinGen allele CA470025830.

ClinVar aggregate classification (germline): Likely benign. Review status: criteria provided, multiple submitters, no conflicts (2 of 4 stars). 2 submissions from 2 submitters: Likely benign (2). Last evaluated 2025-10-07.

Allele frequency attached by ClinVar (database versions not stated): TOPMed below 0.00001; gnomAD 0.00001; gnomAD exomes 0.00001.
gnomAD v4.1: 11 of 1,612,622 alleles (0.00068%); highest among the groups gnomAD compares: Admixed American, 0.0033%; no homozygotes.

Submissions (2):

Labcorp Genetics (formerly Invitae), Labcorp
Classification: Likely benign. Last evaluated: 2025-10-07. Review status: criteria provided, single submitter. Criteria: Invitae Variant Classification Sherloc (09022015). Collection method: clinical testing. Allele origin: germline.

CeGaT Center for Human Genetics Tuebingen
Classification: Likely benign. Last evaluated: 2023-10-01. Review status: criteria provided, single submitter. Criteria: CeGaT Center For Human Genetics Tuebingen Variant Classification Criteria Version 2. Collection method: clinical testing. Allele origin: germline. Affected: yes. Observed: 1 variant allele.
Comment: HK1: BP4, BP7